The following is an entry in ClinVar:

NM_015937.6(PIGT):c.744C>T (p.Ala248=)

Gene: PIGT (phosphatidylinositol glycan anchor biosynthesis class T; plus strand). Cytogenetic location: 20q13.12.
Variant type: single nucleotide variant.
Coding change: c.744C>T on transcript NM_015937.6 (MANE Select); coding-DNA position 744, C replaced by T.
Protein change: p.Ala248=; no amino-acid change (alanine 248 retained).
Molecular consequence: synonymous variant. On other transcripts: non-coding transcript variant (5).
Genome position (GRCh38, 1-based): chr20:45,420,198, C>T. VCF-style: chr20-45420198-C-T. GRCh37 (hg19) VCF-style: chr20-44048838-C-T.
Other names: c.576C>T, p.Ala192= (NM_001184728.3); c.744C>T, p.Ala248= (NM_001184729.3); c.438C>T, p.Ala146= (NM_001184730.3).
Identifiers: ClinVar variation 3771329 (VCV003771329.15).

ClinVar aggregate classification (germline): Conflicting classifications of pathogenicity. Review status: criteria provided, conflicting classifications (1 of 4 stars). 3 submissions from 3 submitters: Uncertain significance (1); Likely benign (2). Last evaluated 2025-07-28.

Conditions:
Multiple congenital anomalies-hypotonia-seizures syndrome 3 (MCAHS3). Also called: GLYCOSYLPHOSPHATIDYLINOSITOL BIOSYNTHESIS DEFECT 7. Identifiers: Orphanet 369837, MedGen C3809356, MONDO:0014165, OMIM 615398.

gnomAD v4.1: 31 of 1,612,022 alleles (0.0019%); highest among the groups gnomAD compares: East Asian, 0.0022%; no homozygotes.

Submissions (3):

Labcorp Genetics (formerly Invitae), Labcorp
Classification: Uncertain significance for Multiple congenital anomalies-hypotonia-seizures syndrome 3. Last evaluated: 2025-07-28. Review status: criteria provided, single submitter. Criteria: Invitae Variant Classification Sherloc (09022015). Collection method: clinical testing. Allele origin: germline.
Comment: This sequence change affects codon 248 of the PIGT mRNA. It is a 'silent' change, meaning that it does not change the encoded amino acid sequence of the PIGT protein. This variant is present in population databases (rs765419537, gnomAD 0.004%). This variant has not been reported in the literature in individuals affected with PIGT-related conditions. ClinVar contains an entry for this variant (Variation ID: 3771329). Algorithms developed to predict the effect of sequence changes on RNA splicing suggest that this variant may disrupt the consensus splice site. In summary, the available evidence is currently insufficient to determine the role of this variant in disease. Therefore, it has been classified as a Variant of Uncertain Significance.

CeGaT Center for Human Genetics Tuebingen
Classification: Likely benign. Last evaluated: 2025-04-01. Review status: criteria provided, single submitter. Criteria: CeGaT Center For Human Genetics Tuebingen Variant Classification Criteria Version 2. Collection method: clinical testing. Allele origin: germline. Affected: yes. Observed: 1 variant allele.
Comment: PIGT: BP4, BP7

Blueprint Genetics
Classification: Likely benign. Last evaluated: 2024-03-08. Review status: criteria provided, single submitter. Criteria: ACMG Guidelines, 2015. Collection method: clinical testing. Allele origin: germline.